The following is an entry in ClinVar:

ClinVar aggregate classification (germline): Uncertain significance (1 of 4 stars; one submission).

Submission:

Labcorp Genetics (formerly Invitae), Labcorp
Classification: Uncertain significance. Last evaluated: 2023-10-25. Review status: criteria provided, single submitter. Criteria: Invitae Variant Classification Sherloc (09022015). Collection method: clinical testing. Allele origin: germline.
Comment: This sequence change replaces tryptophan, which is neutral and slightly polar, with serine, which is neutral and polar, at codon 373 of the NEXMIF protein (p.Trp373Ser). This variant is not present in population databases (gnomAD no frequency). This variant has not been reported in the literature in individuals affected with NEXMIF-related conditions. ClinVar contains an entry for this variant (Variation ID: 2051468). An algorithm developed to predict the effect of missense changes on protein structure and function (PolyPhen-2) suggests that this variant is likely to be disruptive. In summary, the available evidence is currently insufficient to determine the role of this variant in disease. Therefore, it has been classified as a Variant of Uncertain Significance.

NM_001008537.3(NEXMIF):c.1118G>C (p.Trp373Ser)

Gene: NEXMIF (neurite extension and migration factor; minus strand). Cytogenetic location: Xq13.3.
Variant type: single nucleotide variant.
Coding change: c.1118G>C on transcript NM_001008537.3 (MANE Select); coding-DNA position 1118, G replaced by C.
Protein change: p.Trp373Ser; replaces tryptophan 373 with serine.
Molecular consequence: missense variant.
Genome position (GRCh38, 1-based): chrX:74,743,439, C>G on the plus strand (G>C on the coding strand, the complement: NEXMIF is on the minus strand). VCF-style: chrX-74743439-C-G. GRCh37 (hg19) VCF-style: chrX-73963274-C-G.
Other names: short protein forms W373S.
Identifiers: ClinVar variation 2051468 (VCV002051468.4), dbSNP rs2080114608, ClinGen allele CA413671394.